The following is an entry in ClinVar:

NM_000097.7(CPOX):c.114G>C (p.Trp38Cys)

Genes: CPOX (coproporphyrinogen oxidase; minus strand), LOC129937121 (ATAC-STARR-seq lymphoblastoid silent region 14560; plus strand). Cytogenetic location: 3q11.2.
Variant type: single nucleotide variant.
Coding change: c.114G>C on transcript NM_000097.7 (MANE Select); coding-DNA position 114, G replaced by C.
Protein change: p.Trp38Cys; replaces tryptophan 38 with cysteine.
Molecular consequence: missense variant.
Genome position (GRCh38, 1-based): chr3:98,593,391, C>G on the plus strand (G>C on the coding strand, the complement: CPOX is on the minus strand). VCF-style: chr3-98593391-C-G. GRCh37 (hg19) VCF-style: chr3-98312235-C-G.
Other names: c.114G>C (NM_000097.5); short protein forms W38C.
Identifiers: ClinVar variation 2710197 (VCV002710197.4), dbSNP rs1210438633, ClinGen allele CA353647121.

ClinVar aggregate classification (germline): Uncertain significance. Review status: criteria provided, multiple submitters, no conflicts (2 of 4 stars). 2 submissions from 2 submitters: Uncertain significance (2). Last evaluated 2026-01-04.

Conditions:
Inborn genetic diseases. Identifiers: MedGen C0950123, MeSH D030342.

Allele frequency attached by ClinVar (database versions not stated): gnomAD 0.00002; TOPMed 0.00005.

Submissions (2):

Labcorp Genetics (formerly Invitae), Labcorp
Classification: Uncertain significance. Last evaluated: 2026-01-04. Review status: criteria provided, single submitter. Criteria: Invitae Variant Classification Sherloc (09022015). Collection method: clinical testing. Allele origin: germline.
Comment: This sequence change replaces tryptophan, which is neutral and slightly polar, with cysteine, which is neutral and slightly polar, at codon 38 of the CPOX protein (p.Trp38Cys). This variant is not present in population databases (gnomAD no frequency). This variant has not been reported in the literature in individuals affected with CPOX-related conditions. ClinVar contains an entry for this variant (Variation ID: 2710197). An algorithm developed to predict the effect of missense changes on protein structure and function (PolyPhen-2) suggests that this variant is likely to be tolerated. In summary, the available evidence is currently insufficient to determine the role of this variant in disease. Therefore, it has been classified as a Variant of Uncertain Significance.

Ambry Genetics
Classification: Uncertain significance for Inborn genetic diseases. Last evaluated: 2024-02-27. Review status: criteria provided, single submitter. Criteria: Ambry Variant Classification Scheme 2023. Collection method: clinical testing. Allele origin: germline.